The following is an entry in ClinVar:

NM_000257.4(MYH7):c.578A>T (p.Gln193Leu)

Gene: MYH7 (myosin heavy chain 7; minus strand). Cytogenetic location: 14q11.2.
Variant type: single nucleotide variant.
Coding change: c.578A>T on transcript NM_000257.4 (MANE Select); coding-DNA position 578, A replaced by T.
Protein change: p.Gln193Leu; replaces glutamine 193 with leucine.
Molecular consequence: missense variant.
Genome position (GRCh38, 1-based): chr14:23,431,822, T>A on the plus strand (A>T on the coding strand, the complement: MYH7 is on the minus strand). VCF-style: chr14-23431822-T-A. GRCh37 (hg19) VCF-style: chr14-23901031-T-A.
Other names: short protein forms Q193L.
Identifiers: ClinVar variation 573829 (VCV000573829.8), dbSNP rs1472887126, ClinGen allele CA389052495.
Genomic context (GRCh38, chr14:23,431,822, plus strand): 5'-TTGCCCGGGCTCTGGTCCTTCTTGCTGCGGTCCCCAATGGCTGCAATAACAGCAAAGTAC[T>A]GGATGACCCTCTTGGTGTTGACTGTCTTCCCTGCTCCGGATTCTCCGCTGTGAAGACAGG-3'
Protein context (NP_000248.2, residues 183-203): GKTVNTKRVI[Gln193Leu]YFAVIAAIGD

ClinVar aggregate classification (germline): Uncertain significance (1 of 4 stars; one submission).

Conditions:
Hypertrophic cardiomyopathy. Also called: HYPERTROPHIC MYOCARDIOPATHY. Identifiers: Orphanet 217569, MedGen C0007194, MeSH D002312, MONDO:0005045, HP:0001639.

Submission:

Labcorp Genetics (formerly Invitae), Labcorp
Classification: Uncertain significance for Hypertrophic cardiomyopathy. Last evaluated: 2018-04-12. Review status: criteria provided, single submitter. Criteria: Invitae Variant Classification Sherloc (09022015). Collection method: clinical testing. Allele origin: germline.
Comment: This sequence change replaces glutamine with leucine at codon 193 of the MYH7 protein (p.Gln193Leu). The glutamine residue is highly conserved and there is a moderate physicochemical difference between glutamine and leucine. This variant is not present in population databases (ExAC no frequency). This variant has not been reported in the literature in individuals with MYH7-related disease. This variant is found within a region of MYH7 between codons 181 and 937 that contains the majority of the myosin head domain. Missense variants in this region have been shown to be significantly overrepresented in individuals with hypertrophic cardiomyopathy (PMID: 27532257). In summary, the available evidence is currently insufficient to determine the role of this variant in disease. Therefore, it has been classified as a Variant of Uncertain Significance. A computational algorithm designed to assess the pathogenicity of variants in MYH7 with regard to hypertrophic cardiomyopathy predicted this sequence change to be deleterious. The algorithm has a sensitivity of 94% and a specificity of 89% (PMID: 21310275).

Literature cited by the submitters: PubMed 27532257; PubMed 21310275.